The following is an entry in ClinVar:

Conditions:
Long QT syndrome 5 (LQT5). Identifiers: Orphanet 101016, Orphanet 768, MedGen C1867904, MONDO:0013372, OMIM 613695.

Submission:

Roden Lab, Vanderbilt University Medical Center
No classification provided (evidence only). Condition: Long QT syndrome 5. Review status: no classification provided. Collection method: in vitro. Allele origin: not applicable. Functional consequence: Effect on ion channel function.
ClinVar note: "not provided" was previously submitted as the classification for the variant. However, the classification appeared to be based only on an observation of functional data so it was converted to no classification on 2025-07-30.

NM_000219.6(KCNE1):c.339G>T (p.Leu113=)

Gene: KCNE1 (potassium voltage-gated channel subfamily E regulatory subunit 1; minus strand). Cytogenetic location: 21q22.12.
Variant type: single nucleotide variant.
Coding change: c.339G>T on transcript NM_000219.6 (MANE Select); coding-DNA position 339, G replaced by T.
Protein change: p.Leu113=; no amino-acid change (leucine 113 retained).
Molecular consequence: synonymous variant.
Genome position (GRCh38, 1-based): chr21:34,449,296, C>A on the plus strand (G>T on the coding strand, the complement: KCNE1 is on the minus strand). VCF-style: chr21-34449296-C-A. GRCh37 (hg19) VCF-style: chr21-35821594-C-A.
Other names: c.339G>T, p.Leu113= (NM_001127668.4, NM_001127669.4, NM_001127670.4 and 4 more transcripts).
Identifiers: ClinVar variation 3374684 (VCV003374684.2).